The following is an entry in ClinVar:

ClinVar aggregate classification (germline): Uncertain significance (1 of 4 stars; one submission).

Submission:

GeneDx
Classification: Uncertain significance. Last evaluated: 2024-04-22. Review status: criteria provided, single submitter. Criteria: GeneDx Variant Classification Process June 2021. Collection method: clinical testing. Allele origin: germline. Affected: yes.
Comment: Not observed at significant frequency in large population cohorts (gnomAD); In silico analysis indicates that this missense variant does not alter protein structure/function; Has not been previously published as pathogenic or benign to our knowledge

NM_006767.4(LZTR1):c.1019G>T (p.Arg340Leu)

Gene: LZTR1 (leucine zipper like post translational regulator 1; plus strand). Cytogenetic location: 22q11.21.
Variant type: single nucleotide variant.
Coding change: c.1019G>T on transcript NM_006767.4 (MANE Select); coding-DNA position 1019, G replaced by T.
Protein change: p.Arg340Leu; replaces arginine 340 with leucine.
Molecular consequence: missense variant.
Genome position (GRCh38, 1-based): chr22:20,992,239, G>T. VCF-style: chr22-20992239-G-T. GRCh37 (hg19) VCF-style: chr22-21346528-G-T.
Other names: short protein forms R340L.
Identifiers: ClinVar variation 3372778 (VCV003372778.1).